The following is an entry in ClinVar:

ClinVar aggregate classification (germline): Uncertain significance (1 of 4 stars; one submission).

Submission:

Ambry Genetics
Classification: Uncertain significance. Last evaluated: 2024-04-11. Review status: criteria provided, single submitter. Criteria: Ambry Variant Classification Scheme 2023. Collection method: clinical testing. Allele origin: germline.
Comment: The p.I185T variant (also known as c.554T>C), located in coding exon 6 of the BUB1 gene, results from a T to C substitution at nucleotide position 554. The isoleucine at codon 185 is replaced by threonine, an amino acid with similar properties. This amino acid position is conserved. In addition, this alteration is predicted to be tolerated by in silico analysis. Based on the available evidence, the clinical significance of this variant remains unclear.

NM_004336.5(BUB1):c.554T>C (p.Ile185Thr)

Gene: BUB1 (BUB1 mitotic checkpoint serine/threonine kinase; minus strand). Cytogenetic location: 2q13.
Variant type: single nucleotide variant.
Coding change: c.554T>C on transcript NM_004336.5 (MANE Select); coding-DNA position 554, T replaced by C.
Protein change: p.Ile185Thr; replaces isoleucine 185 with threonine.
Molecular consequence: missense variant.
Genome position (GRCh38, 1-based): chr2:110,669,466, A>G on the plus strand (T>C on the coding strand, the complement: BUB1 is on the minus strand). VCF-style: chr2-110669466-A-G. GRCh37 (hg19) VCF-style: chr2-111427043-A-G.
Other names: c.494T>C, p.Ile165Thr (NM_001278616.2); c.554T>C, p.Ile185Thr (NM_001278617.2); short protein forms I165T, I185T.
Identifiers: ClinVar variation 3262140 (VCV003262140.1).